The following is an entry in ClinVar:

NM_022124.6(CDH23):c.3678G>A (p.Thr1226=)

Genes: C10orf105 (chromosome 10 open reading frame 105; minus strand), CDH23 (cadherin related 23; plus strand). Cytogenetic location: 10q22.1.
Variant type: single nucleotide variant.
Coding change: c.3678G>A on transcript NM_022124.6 (MANE Select); coding-DNA position 3678, G replaced by A.
Protein change: p.Thr1226=; no amino-acid change (threonine 1226 retained).
Molecular consequence: synonymous variant. On other transcripts: intron variant (1).
Genome position (GRCh38, 1-based): chr10:71,730,567, G>A. VCF-style: chr10-71730567-G-A. GRCh37 (hg19) VCF-style: chr10-73490324-G-A.
Other names: c.3678G>A, p.Thr1226= (NM_001171930.2); c.-6+7161C>T (NM_001168390.2).
Identifiers: ClinVar variation 880497 (VCV000880497.15), dbSNP rs774716336, ClinGen allele CA5544800.
Genomic context (GRCh38, chr10:71,730,567, plus strand): 5'-CGTGTTCACACAGCAGCAGTACAGCCGTCTGGGGCTTCGAGAGACCGCAGGCATTGGAAC[G>A]TCAGTCATCGTGGTCCAAGCCACAGACCGAGACTCTGGTGAGGCTGGCAGGAGGAAGCCG-3'
Protein context (NP_071407.4, residues 1216-1236): LGLRETAGIG[Thr1226=]SVIVVQATDR

ClinVar aggregate classification (germline): Conflicting classifications of pathogenicity. Review status: criteria provided, conflicting classifications (1 of 4 stars). 5 submissions from 4 submitters: Uncertain significance (2); Likely benign (3). Last evaluated 2024-10-21.

Conditions:
Usher syndrome type 1D (USH1D). Also called: USHER SYNDROME, TYPE ID. Identifiers: Orphanet 231169, Orphanet 886, MedGen C1832845, MONDO:0010984, OMIM 601067.
Autosomal recessive nonsyndromic hearing loss 12. Also called: DEAFNESS, AUTOSOMAL RECESSIVE 12. Identifiers: Orphanet 90636, MedGen C1832394, MONDO:0011067, OMIM 601386.
CDH23-related disorder. Also called: CDH23-related disorders; CDH23-related condition.

Allele frequency attached by ClinVar (database versions not stated): gnomAD 0.00005 and 0.00003; ExAC 0.00008; TOPMed 0.00003; gnomAD exomes 0.00006 and 0.00009.
gnomAD v4.1: 93 of 1,613,810 alleles (0.0058%); highest among the groups gnomAD compares: South Asian, 0.067%; no homozygotes.

Submissions (5):

Labcorp Genetics (formerly Invitae), Labcorp
Classification: Likely benign. Last evaluated: 2024-10-21. Review status: criteria provided, single submitter. Criteria: Invitae Variant Classification Sherloc (09022015). Collection method: clinical testing. Allele origin: germline.

PreventionGenetics, part of Exact Sciences
Classification: Likely benign for CDH23-related condition. Last evaluated: 2024-10-09. Review status: criteria provided, single submitter. Criteria: ACMG Guidelines, 2015. Collection method: clinical testing. Allele origin: germline.
Comment: This variant is classified as likely benign based on ACMG/AMP sequence variant interpretation guidelines (Richards et al. 2015 PMID: 25741868, with internal and published modifications).

Blueprint Genetics
Classification: Likely benign. Last evaluated: 2024-01-19. Review status: criteria provided, single submitter. Criteria: ACMG Guidelines, 2015. Collection method: clinical testing. Allele origin: germline.

Illumina Laboratory Services, Illumina
Classification: Uncertain significance for Usher syndrome type 1D. Last evaluated: 2018-01-12. Review status: criteria provided, single submitter. Criteria: ICSL Variant Classification Criteria 13 December 2019. Collection method: clinical testing. Allele origin: germline.

Illumina Laboratory Services, Illumina
Classification: Uncertain significance for Autosomal recessive nonsyndromic hearing loss 12. Last evaluated: 2018-01-12. Review status: criteria provided, single submitter. Criteria: ICSL Variant Classification Criteria 13 December 2019. Collection method: clinical testing. Allele origin: germline.